The following is an entry in ClinVar:

NM_199355.4(ADAMTS18):c.821A>G (p.Asp274Gly)

Gene: ADAMTS18 (ADAM metallopeptidase with thrombospondin type 1 motif 18; minus strand). Cytogenetic location: 16q23.1.
Variant type: single nucleotide variant.
Coding change: c.821A>G on transcript NM_199355.4 (MANE Select); coding-DNA position 821, A replaced by G.
Protein change: p.Asp274Gly; replaces aspartic acid 274 with glycine.
Molecular consequence: missense variant.
Genome position (GRCh38, 1-based): chr16:77,364,339, T>C on the plus strand (A>G on the coding strand, the complement: ADAMTS18 is on the minus strand). VCF-style: chr16-77364339-T-C. GRCh37 (hg19) VCF-style: chr16-77398236-T-C.
Other names: c.305A>G, p.Asp102Gly (NM_001326358.2); short protein forms D102G, D274G.
Identifiers: ClinVar variation 1968701 (VCV001968701.2), dbSNP rs2056761021, ClinGen allele CA396836945.

ClinVar aggregate classification (germline): Uncertain significance (1 of 4 stars; one submission).

Allele frequency attached by ClinVar (database versions not stated): gnomAD exomes below 0.00001.
gnomAD v4.1: 1 of 1,613,848 alleles (0.000062%); highest among the groups gnomAD compares: Non-Finnish European, 0.000085%; no homozygotes.

Submission:

Labcorp Genetics (formerly Invitae), Labcorp
Classification: Uncertain significance. Last evaluated: 2021-09-05. Review status: criteria provided, single submitter. Criteria: Invitae Variant Classification Sherloc (09022015). Collection method: clinical testing. Allele origin: germline.
Comment: This sequence change replaces aspartic acid with glycine at codon 274 of the ADAMTS18 protein (p.Asp274Gly). The aspartic acid residue is highly conserved and there is a moderate physicochemical difference between aspartic acid and glycine. This variant is not present in population databases (ExAC no frequency). This variant has not been reported in the literature in individuals affected with ADAMTS18-related conditions. Algorithms developed to predict the effect of missense changes on protein structure and function are either unavailable or do not agree on the potential impact of this missense change (SIFT: "Not Available"; PolyPhen-2: "Benign"; Align-GVGD: "Not Available"). In summary, the available evidence is currently insufficient to determine the role of this variant in disease. Therefore, it has been classified as a Variant of Uncertain Significance.